The following is an entry in ClinVar:

ClinVar aggregate classification (germline): Uncertain significance (1 of 4 stars; one submission).

Submission:

GeneDx
Classification: Uncertain significance. Last evaluated: 2024-03-21. Review status: criteria provided, single submitter. Criteria: GeneDx Variant Classification Process June 2021. Collection method: clinical testing. Allele origin: germline. Affected: yes.
Comment: Not observed at significant frequency in large population cohorts (gnomAD); In silico analysis supports that this missense variant does not alter protein structure/function; Has not been previously published as pathogenic or benign to our knowledge

NM_001127222.2(CACNA1A):c.5146A>C (p.Ile1716Leu)

Gene: CACNA1A (calcium voltage-gated channel subunit alpha1 A; minus strand). Cytogenetic location: 19p13.13.
Variant type: single nucleotide variant.
Coding change: c.5146A>C on transcript NM_001127222.2 (MANE Select); coding-DNA position 5146, A replaced by C.
Protein change: p.Ile1716Leu; replaces isoleucine 1716 with leucine.
Molecular consequence: missense variant.
Genome position (GRCh38, 1-based): chr19:13,235,024, T>G on the plus strand (A>C on the coding strand, the complement: CACNA1A is on the minus strand). VCF-style: chr19-13235024-T-G. GRCh37 (hg19) VCF-style: chr19-13345838-T-G.
Other names: c.5164A>C, p.Ile1722Leu (NM_000068.4, NM_023035.3); c.5149A>C, p.Ile1717Leu (NM_001127221.2); c.5155A>C, p.Ile1719Leu (NM_001174080.2); short protein forms I1716L, I1717L, I1719L, I1722L.
Identifiers: ClinVar variation 3371325 (VCV003371325.1).